The following continues an entry in ClinVar:

NM_000152.5(GAA):c.1827del (p.Arg608_Tyr609insTer)

Gene: GAA. ClinVar aggregate classification (germline): Pathogenic. Pathogenic (1).

Submissions 12 to 16 of 16:

Victorian Clinical Genetics Services, Murdoch Childrens Research Institute
Classification: Pathogenic for Glycogen storage disease, type II. Last evaluated: 2020-06-11. Review status: criteria provided, single submitter. Criteria: ACMG Guidelines, 2015. Collection method: clinical testing. Allele origin: germline. Inheritance: Autosomal recessive inheritance. Not counted in ClinVar's aggregate classification.
Comment: Based on the classification scheme VCGS_Germline_v1.1.1, this variant is classified as Pathogenic. Following criteria are met: 0102 - Loss-of-function is a known mechanism of disease for this gene. (N) 0106 - This gene is known to be associated with autosomal recessive disease. (N) 0201 - Variant is predicted to cause nonsense-mediated decay (NMD) and loss of protein (exon 13 of 20). (P) 0251 - Variant is heterozygous. (N) 0304 - Variant is present in gnomAD v2 <0.01 for a recessive condition (9 heterozygotes, 0 homozygotes). (P) 0701 - Comparable variants have very strong previous evidence for pathogenicity. Many other variants also predicted to undergo NMD, have been reported in patients with glycogen storage disease type II (Pombe disease). Patients homozygous for NMD-predicted truncating variants tend to be more severely affected (Decipher, PMID: 14695532). (P) 0801 - Strong previous evidence of pathogenicity in unrelated individuals. This variant has been reported as pathogenic, and in several patients with Pombe disease (ClinVar, LOVD, PMID: 14695532, PMID: 26693141). (N) Legend: (P) - Pathogenic, (N) - Neutral, (B) - Benign

Women's Health and Genetics/Laboratory Corporation of America, LabCorp
Classification: Pathogenic for Glycogen storage disease, type II. Last evaluated: 2020-03-10. Review status: criteria provided, single submitter. Criteria: LabCorp Variant Classification Summary - May 2015. Collection method: clinical testing. Allele origin: germline. Not counted in ClinVar's aggregate classification.
Comment: Variant summary: GAA c.1827delC (p.Tyr609X) results in a premature termination codon, predicted to cause a truncation of the encoded protein or absence of the protein due to nonsense mediated decay, which are commonly known mechanisms for disease. Truncations downstream of this position have been classified as pathogenic by our laboratory. The variant allele was found at a frequency of 2.9e-05 in 244672 control chromosomes. c.1827delC has been reported in the literature in individuals affected with Glycogen Storage Disease, Type 2 (Pompe Disease) or Limb-girdle muscular dystrophies (e.g. Hermans_2004, Kishnani_2019, Nallamilli_2018). These data indicate that the variant is likely to be associated with disease. To our knowledge, no experimental evidence demonstrating an impact on protein function has been reported. Two clinical diagnostic laboratories have submitted clinical-significance assessments for this variant to ClinVar after 2014 without evidence for independent evaluation. Both laboratories classified the variant as pathogenic. Based on the evidence outlined above, the variant was classified as pathogenic.

Broad Center for Mendelian Genomics, Broad Institute of MIT and Harvard
Classification: Pathogenic for Glycogen storage disease, type II. Last evaluated: 2020-01-22. Review status: criteria provided, single submitter. Criteria: ACMG Guidelines, 2015. Collection method: curation. Allele origin: germline. Inheritance: Autosomal recessive inheritance. Not counted in ClinVar's aggregate classification.
Comment: This variant has been identified in 0.0072% (9/125326) of European (non-Finnish) chromosomes by the Genome Aggregation Database (gnomAD; dbSNP rs781088002). Although this variant has been seen in the general population, its frequency is low enough to be consistent with a recessive carrier frequency. This variant leads to a premature termination codon at position 609, which is predicted to lead to a truncated or absent protein. Loss of function of the GAA gene is an established disease mechanism in autosomal recessive Glycogen Storage Disease II. This variant has been seen in combination with a reported pathogenic variant (PMID: 26693141). The phenotype of an individual compound heterozygous for this variant is highly specific for Glycogen Storage Disease II based on low GAA activity consistent with disease (PMID: 26693141). In summary, this variant meets criteria to be classified as pathogenic for Glycogen Storage Disease II in an autosomal recessive manner based on the predicted impact of the variant and the presence of this variant in a patient with a severe deficiency in GAA activity. ACMG/AMP Criteria applied: PVS1, PP4, PM2 (Richards 2015).

Eurofins Ntd Llc (ga)
Classification: Pathogenic. Last evaluated: 2017-03-13. Review status: criteria provided, single submitter. Criteria: EGL Classification Definitions 2015. Collection method: clinical testing. Allele origin: germline. Observed: 2 variant alleles, 2 heterozygotes. Not counted in ClinVar's aggregate classification.

Counsyl
Classification: Likely pathogenic for Glycogen storage disease, type II. Last evaluated: 2014-08-25. Review status: no assertion criteria provided. Collection method: literature only. Allele origin: unknown. Inheritance: Autosomal recessive inheritance. Not counted in ClinVar's aggregate classification.

Literature cited by the submitters: PubMed 38313679 (cited by Genomenon, Inc); PubMed 37701327 (cited by Genomenon, Inc); PubMed 37087815 (cited by Genomenon, Inc); PubMed 35948506 (cited by Genomenon, Inc); PubMed 34357340 (cited by Genomenon, Inc and Ambry Genetics); PubMed 30655185 (cited by Genomenon, Inc); PubMed 26693141 (cited by 3 submitters); PubMed 18425781 (cited by Labcorp Genetics (formerly Invitae), Labcorp); PubMed 22252923 (cited by Labcorp Genetics (formerly Invitae), Labcorp); PubMed 12897283 (cited by Labcorp Genetics (formerly Invitae), Labcorp); PubMed 14695532 (cited by 7 submitters); PubMed 24269976 (cited by Labcorp Genetics (formerly Invitae), Labcorp); PubMed 31086307 (cited by Natera, Inc. and Women's Health and Genetics/Laboratory Corporation of America, LabCorp); PubMed 29122469 (cited by Ambry Genetics); PubMed 30564623 (cited by Women's Health and Genetics/Laboratory Corporation of America, LabCorp).